The following is an entry in ClinVar:

ClinVar aggregate classification (germline): Uncertain significance (1 of 4 stars; one submission).

Conditions:
Charcot-Marie-Tooth disease type 2I (CMT2I). Also called: CHARCOT-MARIE-TOOTH DISEASE, AXONAL, TYPE 2I. Identifiers: Orphanet 99942, MedGen C3888087, MONDO:0011889, OMIM 607677.

Allele frequency attached by ClinVar (database versions not stated): gnomAD exomes 0.00001; ExAC 0.00002.
gnomAD v4.1: 8 of 1,614,252 alleles (0.0005%); highest among the groups gnomAD compares: South Asian, 0.0088%; no homozygotes.

Submission:

Neuberg Centre For Genomic Medicine, NCGM
Classification: Uncertain significance for Charcot-Marie-Tooth disease type 2I. Review status: criteria provided, single submitter. Criteria: ACMG Guidelines, 2015. Collection method: clinical testing. Allele origin: germline. Inheritance: Autosomal dominant inheritance. Affected: yes.
Comment: The missense variant p.K199N in MPZ (NM_000530.8) has not been reported previously as a pathogenic variant nor as a benign variant, to our knowledge.The missense variant c.597G>C (p.K199N) in MPZ (NM_000530.8) is observed in 4/30616 (0.0131%) alleles from individuals of South Asian background in the gnomAD dataset (Exome Aggregation Consortium et al., 2016), but was not seen in the homozygous state There is a moderate physicochemical difference between lysine and asparagine. In silico tools are damaging in their predictions and the residue is poorly conserved across species. For these reasons, this variant has been classified as Uncertain Significance.

NM_000530.8(MPZ):c.597G>C (p.Lys199Asn)

Gene: MPZ (myelin protein zero; minus strand). Cytogenetic location: 1q23.3.
Variant type: single nucleotide variant.
Coding change: c.597G>C on transcript NM_000530.8 (MANE Select); coding-DNA position 597, G replaced by C.
Protein change: p.Lys199Asn; replaces lysine 199 with asparagine.
Molecular consequence: missense variant.
Genome position (GRCh38, 1-based): chr1:161,306,156, C>G on the plus strand (G>C on the coding strand, the complement: MPZ is on the minus strand). VCF-style: chr1-161306156-C-G. GRCh37 (hg19) VCF-style: chr1-161275946-C-G.
Other names: c.597G>C, p.Lys199Asn (NM_001315491.2); short protein forms K199N.
Identifiers: ClinVar variation 2627479 (VCV002627479.1), dbSNP rs777928293, ClinGen allele CA1210103.